The following is an entry in ClinVar:

ClinVar aggregate classification (germline): Uncertain significance (1 of 4 stars; one submission).

Conditions:
Immunodeficiency 133 with ectodermal dysplasia with or without peripheral neuropathy. Identifiers: MedGen C6012744, MONDO:0979570, OMIM 621254.

gnomAD v4.1: 7 of 1,613,842 alleles (0.00043%); highest among the groups gnomAD compares: Admixed American, 0.0033%; no homozygotes.

Submission:

3billion
Classification: Uncertain significance for Immunodeficiency 133 with ectodermal dysplasia with or without peripheral neuropathy. Last evaluated: 2025-10-29. Review status: criteria provided, single submitter. Criteria: ACMG Guidelines, 2015. Collection method: clinical testing. Allele origin: germline. Affected: yes.
Comment: The variant is observed at an extremely low frequency in the gnomAD v4.1.0 dataset (total allele frequency: <0.001%). Predicted Consequence/Location: Missense variant. Missense changes are a common disease-causing mechanism. In silico tool predictions suggest damaging effect of the variant on gene or gene product [REVEL: 0.87 (>=0.6, sensitivity 0.68 and specificity 0.92); 3Cnet: 0.98 (> 0.75, sensitivity 0.96 and precision 0.92)]. Therefore, this variant is classified as VUS according to the recommendation of ACMG/AMP guideline.

NM_002224.4(ITPR3):c.1507C>T (p.Arg503Trp)

Gene: ITPR3 (inositol 1,4,5-trisphosphate receptor type 3; plus strand). Cytogenetic location: 6p21.31.
Variant type: single nucleotide variant.
Coding change: c.1507C>T on transcript NM_002224.4 (MANE Select); coding-DNA position 1507, C replaced by T.
Protein change: p.Arg503Trp; replaces arginine 503 with tryptophan.
Molecular consequence: missense variant.
Genome position (GRCh38, 1-based): chr6:33,665,932, C>T. VCF-style: chr6-33665932-C-T. GRCh37 (hg19) VCF-style: chr6-33633709-C-T.
Other names: short protein forms R503W.
Identifiers: ClinVar variation 4854798 (VCV004854798.1).